The following is an entry in ClinVar:

NM_000497.4(CYP11B1):c.1120C>T (p.Arg374Trp)

Genes: CYP11B1 (cytochrome P450 family 11 subfamily B member 1; minus strand), LOC106799833 (CYP11B1 recombination region; plus strand). Cytogenetic location: 8q24.3.
Variant type: single nucleotide variant.
Coding change: c.1120C>T on transcript NM_000497.4 (MANE Select); coding-DNA position 1120, C replaced by T.
Protein change: p.Arg374Trp; replaces arginine 374 with tryptophan.
Molecular consequence: missense variant.
Genome position (GRCh38, 1-based): chr8:142,875,713, G>A on the plus strand (C>T on the coding strand, the complement: CYP11B1 is on the minus strand). VCF-style: chr8-142875713-G-A. GRCh37 (hg19) VCF-style: chr8-143957129-G-A.
Other names: c.1120C>T, p.Arg374Trp (NM_001026213.1); short protein forms R374W.
Identifiers: ClinVar variation 35982 (VCV000035982.10), dbSNP rs61752786, ClinGen allele CA213654.
Genomic context (GRCh38, chr8:142,875,713, plus strand): 5'-GTGGGGGCTGCTCTCCAGCAGGGGGCCAGGGCCACAGGGAGGCCTCAGCCAGCACCCACC[G>A]CAAGGTCTCCTTGAGGGCCGCACGCAGCAAGGGCAGCTCGGTGGTTGCCTTCTGGGGATG-3'
Protein context (NP_000488.3, residues 364-384): LLRAALKETL[Arg374Trp]LYPVGLFLER

ClinVar aggregate classification (germline): Conflicting classifications of pathogenicity. Review status: criteria provided, conflicting classifications (1 of 4 stars). 7 submissions from 7 submitters: Pathogenic (2); Likely pathogenic (4); Uncertain significance (1). Last evaluated 2025-03-26.

Conditions:
CYP11B1-related disorder. Also called: CYP11B1-related condition.
Glucocorticoid-remediable aldosteronism. Also called: ACTH-DEPENDENT HYPERALDOSTERONISM SYNDROME; ALDOSTERONISM, SENSITIVE TO DEXAMETHASONE; Hyperaldosteronism, familial, type I; GLUCOCORTICOID-SUPPRESSIBLE HYPERALDOSTERONISM; FH I. Identifiers: Orphanet 403, MedGen C3838731, MONDO:0007080, OMIM 103900.
Deficiency of steroid 11-beta-monooxygenase (CYP11B1). Also called: 11-BETA-HYDROXYLASE DEFICIENCY; ADRENAL HYPERPLASIA, CONGENITAL, DUE TO STEROID 11-BETA-HYDROXYLASE DEFICIENCY; Congenital adrenal hyperplasia due to 11-beta-hydroxylase deficiency; ADRENAL HYPERPLASIA IV; P450C11B1 DEFICIENCY; STEROID 11-BETA-HYDROXYLASE DEFICIENCY. Identifiers: Orphanet 90795, MedGen C0268292, MONDO:0008729, OMIM 202010. Disease mechanism: loss of function.
Congenital adrenal hyperplasia. Identifiers: Orphanet 418, MedGen C0001627, MONDO:0018479, HP:0008258.

Allele frequency attached by ClinVar (database versions not stated): gnomAD 0.00004; TOPMed 0.00004.
gnomAD v4.1: 22 of 1,602,308 alleles (0.0014%); highest among the groups gnomAD compares: African/African-American, 0.01%; no homozygotes.

Submissions (7):

PreventionGenetics, part of Exact Sciences
Classification: Pathogenic for CYP11B1-related condition. Last evaluated: 2025-03-26. Review status: criteria provided, single submitter. Criteria: ACMG Guidelines, 2015. Collection method: clinical testing. Allele origin: germline.
Comment: The CYP11B1 c.1120C>T variant is predicted to result in the amino acid substitution p.Arg374Trp. This variant was reported in individuals with steroid-11 beta-hydroxylase deficiency (Sun et al. 2023. PubMed ID: 36929050; Khattab et al. 2017. PubMed ID: 28228528). These studies suggested that this variant is associated with classic congenital adrenal hyperplasia (CAH). Of note, different substitutions at the same codon have been reported in individuals with steroid-11 beta-hydroxylase deficiency (p.Arg374Gly in Aycan et al. 2022. PubMed ID: 36343887; p.Arg374Gln in Curnow et al. 1993. PubMed ID: 8506298). The c.1120C>T (p.Arg374Trp) variant is reported in 0.0062% of alleles in individuals of African descent in gnomAD. This variant is interpreted as pathogenic.

Fulgent Genetics
Classification: Likely pathogenic for Glucocorticoid-remediable aldosteronism; Deficiency of steroid 11-beta-monooxygenase. Last evaluated: 2024-04-14. Review status: criteria provided, single submitter. Criteria: ACMG Guidelines, 2015. Collection method: clinical testing. Allele origin: germline.

Labcorp Genetics (formerly Invitae), Labcorp
Classification: Uncertain significance. Last evaluated: 2024-02-08. Review status: criteria provided, single submitter. Criteria: Invitae Variant Classification Sherloc (09022015). Collection method: clinical testing. Allele origin: germline.
Comment: This sequence change replaces arginine, which is basic and polar, with tryptophan, which is neutral and slightly polar, at codon 374 of the CYP11B1 protein (p.Arg374Trp). This variant is present in population databases (rs61752786, gnomAD 0.007%). This missense change has been observed in individual(s) with congenital adrenal hyperplasia (PMID: 28228528; Invitae). In at least one individual the data is consistent with being in trans (on the opposite chromosome) from a pathogenic variant. ClinVar contains an entry for this variant (Variation ID: 35982). An algorithm developed to predict the effect of missense changes on protein structure and function (PolyPhen-2) suggests that this variant is likely to be disruptive. In summary, the available evidence is currently insufficient to determine the role of this variant in disease. Therefore, it has been classified as a Variant of Uncertain Significance.

GeneDx
Classification: Pathogenic. Last evaluated: 2023-11-01. Review status: criteria provided, single submitter. Criteria: GeneDx Variant Classification Process June 2021. Collection method: clinical testing. Allele origin: germline. Affected: yes.
Comment: Published functional studies demonstrate a damaging effect: almost complete loss of 11-beta-hydroxylase activity (PMID: 36929050); Not observed at significant frequency in large population cohorts (gnomAD); This variant is associated with the following publications: (PMID: 36929050, 29858860, 28228528, 28641572, 35499511, 35067946, 36343887, Wei2016[poster])

Baylor Genetics
Classification: Likely pathogenic for Deficiency of steroid 11-beta-monooxygenase. Last evaluated: 2023-08-09. Review status: criteria provided, single submitter. Criteria: ACMG Guidelines, 2015. Collection method: clinical testing. Allele origin: unknown.

3billion
Classification: Likely pathogenic for Deficiency of steroid 11-beta-monooxygenase. Last evaluated: 2022-05-22. Review status: criteria provided, single submitter. Criteria: ACMG Guidelines, 2015. Collection method: clinical testing. Allele origin: germline. Affected: yes. Observed: 1 homozygote.
Comment: The variant is observed at an extremely low frequency in the gnomAD v2.1.1 dataset (total allele frequency: <0.001%). In silico tool predictions suggest damaging effect of the variant on gene or gene product (REVEL: 0.89; 3Cnet: 0.90). Same nucleotide change resulting in same amino acid change has been previously reported to be associated with CYP11B1 related disorder (ClinVar ID: VCV000035982). The variant has been observed in at least two similarly affected unrelated individuals (SCV000052290.1). A different missense change at the same codon (p.Arg374Gln) has been reported to be associated with CYP11B1 related disorder (ClinVar ID: VCV000001174 / PMID: 8506298). Therefore, this variant is classified as likely pathogenic according to the recommendation of ACMG/AMP guideline.

Women's Health and Genetics/Laboratory Corporation of America, LabCorp
Classification: Likely pathogenic for Congenital Adrenal Hyperplasia. Last evaluated: 2011-08-18. Review status: criteria provided, single submitter. Criteria: LabCorp Variant Classification Summary - May 2015. Collection method: curation, clinical testing. Allele origin: germline. Inheritance: autosomal unknown. Affected: yes.
ClinVar note: Converted during submission from likely pathogenic to Likely pathogenic.

Literature cited by the submitters: PubMed 28228528 (cited by Labcorp Genetics (formerly Invitae), Labcorp); PubMed 8506298 (cited by 3billion).